The following is an entry in ClinVar:

ClinVar aggregate classification (germline): Uncertain significance. Review status: criteria provided, multiple submitters, no conflicts (2 of 4 stars). 2 submissions from 2 submitters: Uncertain significance (2). Last evaluated 2026-01-28.

Conditions:
LZTR1-related disorder. Also called: LZTR1-related disorders; LZTR1-related condition.

Submissions (2):

Labcorp Genetics (formerly Invitae), Labcorp
Classification: Uncertain significance. Last evaluated: 2026-01-28. Review status: criteria provided, single submitter. Criteria: Invitae Variant Classification Sherloc (09022015). Collection method: clinical testing. Allele origin: germline.
Comment: This sequence change replaces leucine, which is neutral and non-polar, with arginine, which is basic and polar, at codon 580 of the LZTR1 protein (p.Leu580Arg). This variant is not present in population databases (gnomAD no frequency). This variant has not been reported in the literature in individuals affected with LZTR1-related conditions. Invitae Evidence Modeling of protein sequence and biophysical properties (such as structural, functional, and spatial information, amino acid conservation, physicochemical variation, residue mobility, and thermodynamic stability) indicates that this missense variant is not expected to disrupt LZTR1 protein function with a negative predictive value of 80%. In summary, the available evidence is currently insufficient to determine the role of this variant in disease. Therefore, it has been classified as a Variant of Uncertain Significance.

PreventionGenetics, part of Exact Sciences
Classification: Uncertain significance for LZTR1-related condition. Last evaluated: 2025-03-26. Review status: criteria provided, single submitter. Criteria: ACMG Guidelines, 2015. Collection method: clinical testing. Allele origin: germline.
Comment: The LZTR1 c.1739T>G variant is predicted to result in the amino acid substitution p.Leu580Arg. To our knowledge, this variant has not been reported in the literature or in a large population database (gnomAD), indicating it is rare. At this time, the clinical significance of the p.Leu580Arg variant is uncertain due to the absence of conclusive functional and genetic evidence.

NM_006767.4(LZTR1):c.1739T>G (p.Leu580Arg)

Gene: LZTR1 (leucine zipper like post translational regulator 1; plus strand). Cytogenetic location: 22q11.21.
Variant type: single nucleotide variant.
Coding change: c.1739T>G on transcript NM_006767.4 (MANE Select); coding-DNA position 1739, T replaced by G.
Protein change: p.Leu580Arg; replaces leucine 580 with arginine.
Molecular consequence: missense variant.
Genome position (GRCh38, 1-based): chr22:20,994,681, T>G. VCF-style: chr22-20994681-T-G. GRCh37 (hg19) VCF-style: chr22-21348970-T-G.
Other names: c.1739T>G (NM_006767.3); short protein forms L580R.
Identifiers: ClinVar variation 4707630 (VCV004707630.2).